The following is an entry in ClinVar:

NM_001244189.1(KIAA0586):c.2602_2612del11

Gene: KIAA0586 (KIAA0586; plus strand). Cytogenetic location: 14q23.1.
Variant type: Deletion.
Coding change: c.2602_2612del11 on transcript NM_001244189.1; coding-DNA positions 2602 to 2612, 11 bases deleted (GTATTACCCAG).
Genome position (GRCh38, 1-based): chr14:58,470,613-58,470,623, GTATTACCCAG deleted; deleting any 11 consecutive bases within chr14:58,470,611-58,470,623 gives the same sequence; the c. name uses the placement nearest the transcript's 3' end. VCF-style (leftmost placement, unchanged base first): chr14-58470610-TAGGTATTACCC-T. GRCh37 (hg19) VCF-style: chr14-58937328-TAGGTATTACCC-T.
Identifiers: ClinVar variation 1723347 (VCV001723347.1), dbSNP rs2543334612, ClinGen allele CA2575540080.

ClinVar aggregate classification (germline): Likely pathogenic (1 of 4 stars; one submission).

Conditions:
Joubert syndrome and related disorders. Identifiers: Orphanet 140874, MedGen C5679612, MONDO:0015369.

Submission:

Women's Health and Genetics/Laboratory Corporation of America, LabCorp
Classification: Likely pathogenic for Joubert syndrome and related disorders. Last evaluated: 2022-10-19. Review status: criteria provided, single submitter. Criteria: LabCorp Variant Classification Summary - May 2015. Collection method: clinical testing. Allele origin: germline.
Comment: Variant summary: KIAA0586 c.2602_2612del11 (p.Val868CysfsX4) results in a premature termination codon, predicted to cause a truncation of the encoded protein or absence of the protein due to nonsense mediated decay, which are commonly known mechanisms for disease. Truncations downstream of this position have been classified as pathogenic in ClinVar. The variant was absent in 246002 control chromosomes (gnomAD). To our knowledge, no occurrence of c.2602_2612del11 in individuals affected with Joubert Syndrome And Related Disorders and no experimental evidence demonstrating its impact on protein function have been reported. No clinical diagnostic laboratories have submitted clinical-significance assessments for this variant to ClinVar after 2014. Based on the evidence outlined above, the variant was classified as likely pathogenic.